The following is an entry in ClinVar:

ClinVar aggregate classification (germline): Likely benign (1 of 4 stars; one submission).

Conditions:
Familial isolated arrhythmogenic right ventricular dysplasia. Identifiers: Orphanet 217656, MedGen C4274968, MONDO:0016342.

gnomAD v4.1: 1 of 1,527,502 alleles (0.000065%); highest among the groups gnomAD compares: Admixed American, 0.002%; no homozygotes.

Submission:

All of Us Research Program, National Institutes of Health
Classification: Likely benign for Familial isolated arrhythmogenic right ventricular dysplasia. Last evaluated: 2024-05-30. Review status: criteria provided, single submitter. Criteria: ACMG Guidelines, 2015. Collection method: clinical testing. Allele origin: germline. Inheritance: Autosomal dominant inheritance. Observed: 1 variant allele, 1 heterozygote.
Comment: This study involves interpretation of variants in research participants for the purpose of population health screening. Participant phenotype was not available at the time of variant classification. Additional details can be found in publication PMID: 35346344, PMCID: PMC8962531

NM_024422.6(DSC2):c.21C>G (p.Ser7=)

Genes: DSC2 (desmocollin 2; minus strand), DSCAS (DSC1/DSC2 antisense RNA; plus strand). Cytogenetic location: 18q12.1.
Variant type: single nucleotide variant.
Coding change: c.21C>G on transcript NM_024422.6 (MANE Select); coding-DNA position 21, C replaced by G.
Protein change: p.Ser7=; no amino-acid change (serine 7 retained).
Molecular consequence: synonymous variant.
Genome position (GRCh38, 1-based): chr18:31,101,951, G>C on the plus strand (C>G on the coding strand, the complement: DSC2 is on the minus strand). VCF-style: chr18-31101951-G-C. GRCh37 (hg19) VCF-style: chr18-28681914-G-C.
Other names: c.21C>G, p.Ser7= (NM_004949.5).
Identifiers: ClinVar variation 3386559 (VCV003386559.1).